The following is an entry in ClinVar:

NM_015541.3(LRIG1):c.1657G>A (p.Gly553Arg)

Gene: LRIG1 (leucine rich repeats and immunoglobulin like domains 1; minus strand). Cytogenetic location: 3p14.1.
Variant type: single nucleotide variant.
Coding change: c.1657G>A on transcript NM_015541.3 (MANE Select); coding-DNA position 1657, G replaced by A.
Protein change: p.Gly553Arg; replaces glycine 553 with arginine.
Molecular consequence: missense variant.
Genome position (GRCh38, 1-based): chr3:66,386,113, C>T on the plus strand (G>A on the coding strand, the complement: LRIG1 is on the minus strand). VCF-style: chr3-66386113-C-T. GRCh37 (hg19) VCF-style: chr3-66436537-C-T.
Other names: c.1582G>A, p.Gly528Arg (NM_001377344.1); c.877G>A, p.Gly293Arg (NM_001377345.1, NM_001377346.1); c.655G>A, p.Gly219Arg (NM_001377347.1); c.628G>A, p.Gly210Arg (NM_001377348.1); c.373G>A, p.Gly125Arg (NM_001377349.1); short protein forms G125R, G210R, G219R, G293R, G528R, G553R.
Identifiers: ClinVar variation 3053049 (VCV003053049.2), dbSNP rs77775448, ClinGen allele CA2484675.

ClinVar aggregate classification (germline): Benign (0 of 4 stars; one submission).

Conditions:
LRIG1-related disorder. Also called: LRIG1-related condition.

Allele frequency attached by ClinVar (database versions not stated): ExAC 0.00157; gnomAD 0.00463; ESP Exome Variant Server 0.00615; 1000 Genomes Project 0.00659; 1000 Genomes Project 30x 0.00703.
gnomAD v4.1: 1,416 of 1,614,130 alleles (0.088%); highest among the groups gnomAD compares: African/African-American, 1.7%; 9 homozygotes.

Submission:

PreventionGenetics, part of Exact Sciences
Classification: Benign for LRIG1-related condition. Last evaluated: 2019-08-13. Review status: no assertion criteria provided. Collection method: clinical testing. Allele origin: germline.
Comment: This variant is classified as benign based on ACMG/AMP sequence variant interpretation guidelines (Richards et al. 2015 PMID: 25741868, with internal and published modifications).